The following is an entry in ClinVar:

NM_172351.3(CD46):c.908G>C (p.Arg303Thr)

Gene: CD46 (CD46 molecule; plus strand). Cytogenetic location: 1q32.2.
Variant type: single nucleotide variant.
Coding change: c.908G>C on transcript NM_172351.3 (MANE Select); coding-DNA position 908, G replaced by C.
Protein change: p.Arg303Thr; replaces arginine 303 with threonine.
Molecular consequence: missense variant. On other transcripts: intron variant (4).
Genome position (GRCh38, 1-based): chr1:207,770,327, G>C. VCF-style: chr1-207770327-G-C. GRCh37 (hg19) VCF-style: chr1-207943672-G-C.
Other names: c.953G>C, p.Arg318Thr (NM_002389.4, NM_172359.3); c.908G>C, p.Arg303Thr (NM_153826.4, NM_172358.3); c.863G>C, p.Arg288Thr (NM_172350.3, NM_172352.3, NM_172353.3); c.901+2504G>C (NM_172355.3, NM_172356.3); c.856+3132G>C (NM_172357.3, NM_172361.3); short protein forms R288T, R318T, R303T.
Identifiers: ClinVar variation 1507211 (VCV001507211.8), dbSNP rs924745289, ClinGen allele CA36676939.

ClinVar aggregate classification (germline): Uncertain significance (1 of 4 stars; one submission).

Allele frequency attached by ClinVar (database versions not stated): gnomAD exomes below 0.00001; gnomAD 0.00001; TOPMed 0.00001.
gnomAD v4.1: 2 of 1,604,716 alleles (0.00012%); highest among the groups gnomAD compares: Non-Finnish European, 0.00017%; no homozygotes.

Submission:

Labcorp Genetics (formerly Invitae), Labcorp
Classification: Uncertain significance. Last evaluated: 2021-03-08. Review status: criteria provided, single submitter. Criteria: Invitae Variant Classification Sherloc (09022015). Collection method: clinical testing. Allele origin: germline.
Comment: This sequence change replaces arginine with threonine at codon 318 of the CD46 protein (p.Arg318Thr). The arginine residue is weakly conserved and there is a moderate physicochemical difference between arginine and threonine. This variant is not present in population databases (ExAC no frequency). This variant has not been reported in the literature in individuals with CD46-related conditions. Algorithms developed to predict the effect of missense changes on protein structure and function output the following: SIFT: "Tolerated"; PolyPhen-2: "Benign"; Align-GVGD: "Class C0". The threonine amino acid residue is found in multiple mammalian species, suggesting that this missense change does not adversely affect protein function. These predictions have not been confirmed by published functional studies and their clinical significance is uncertain. In summary, the available evidence is currently insufficient to determine the role of this variant in disease. Therefore, it has been classified as a Variant of Uncertain Significance.